The following is an entry in ClinVar:

NM_015910.7(WDPCP):c.1237A>G (p.Ile413Val)

Gene: WDPCP (WD repeat containing planar cell polarity effector; minus strand). Cytogenetic location: 2p15.
Variant type: single nucleotide variant.
Coding change: c.1237A>G on transcript NM_015910.7 (MANE Select); coding-DNA position 1237, A replaced by G.
Protein change: p.Ile413Val; replaces isoleucine 413 with valine.
Molecular consequence: missense variant. On other transcripts: non-coding transcript variant (3).
Genome position (GRCh38, 1-based): chr2:63,404,246, T>C on the plus strand (A>G on the coding strand, the complement: WDPCP is on the minus strand). VCF-style: chr2-63404246-T-C. GRCh37 (hg19) VCF-style: chr2-63631381-T-C.
Other names: c.1237A>G (NM_015910.5); c.760A>G, p.Ile254Val (NM_001042692.3); c.1165A>G, p.Ile389Val (NM_001354044.2); c.1237A>G, p.Ile413Val (NM_001354045.2); short protein forms I254V, I389V, I413V.
Identifiers: ClinVar variation 1448717 (VCV001448717.11), dbSNP rs1694378572, ClinGen allele CA347064850.

ClinVar aggregate classification (germline): Uncertain significance. Review status: criteria provided, multiple submitters, no conflicts (2 of 4 stars). 3 submissions from 3 submitters: Uncertain significance (3). Last evaluated 2024-11-23.

Conditions:
Inborn genetic diseases. Identifiers: MedGen C0950123, MeSH D030342.
Bardet-Biedl syndrome 15 (BBS15). Identifiers: Orphanet 110, MedGen C3150127, MONDO:0014443, OMIM 615992.
Heart defect - tongue hamartoma - polysyndactyly syndrome. Also called: Congenital heart defects, hamartomas of tongue, and polysyndactyly. Identifiers: Orphanet 1338, MedGen C1857587, MONDO:0009008, OMIM 217085.
Bardet-Biedl syndrome (BBS). Identifiers: Orphanet 110, MedGen C0752166, MONDO:0015229.

Allele frequency attached by ClinVar (database versions not stated): gnomAD exomes below 0.00001; TOPMed 0.00001.
gnomAD v4.1: 6 of 1,613,608 alleles (0.00037%); highest among the groups gnomAD compares: South Asian, 0.0011%; no homozygotes.

Submissions (3):

Ambry Genetics
Classification: Uncertain significance for Inborn genetic diseases. Last evaluated: 2024-11-23. Review status: criteria provided, single submitter. Criteria: Ambry Variant Classification Scheme 2023. Collection method: clinical testing. Allele origin: germline.

Fulgent Genetics
Classification: Uncertain significance for Heart defect - tongue hamartoma - polysyndactyly syndrome; Bardet-Biedl syndrome 15. Last evaluated: 2024-05-24. Review status: criteria provided, single submitter. Criteria: ACMG Guidelines, 2015. Collection method: clinical testing. Allele origin: germline.

Labcorp Genetics (formerly Invitae), Labcorp
Classification: Uncertain significance for Bardet-Biedl syndrome. Last evaluated: 2024-01-22. Review status: criteria provided, single submitter. Criteria: Invitae Variant Classification Sherloc (09022015). Collection method: clinical testing. Allele origin: germline.
Comment: This sequence change replaces isoleucine, which is neutral and non-polar, with valine, which is neutral and non-polar, at codon 413 of the WDPCP protein (p.Ile413Val). This variant is not present in population databases (gnomAD no frequency). This variant has not been reported in the literature in individuals affected with WDPCP-related conditions. ClinVar contains an entry for this variant (Variation ID: 1448717). Advanced modeling of protein sequence and biophysical properties (such as structural, functional, and spatial information, amino acid conservation, physicochemical variation, residue mobility, and thermodynamic stability) performed at Invitae indicates that this missense variant is not expected to disrupt WDPCP protein function with a negative predictive value of 80%. In summary, the available evidence is currently insufficient to determine the role of this variant in disease. Therefore, it has been classified as a Variant of Uncertain Significance.